The following is an entry in ClinVar:

NM_014476.6(PDLIM3):c.864del (p.Gln289fs)

Gene: PDLIM3 (PDZ and LIM domain 3; minus strand). Cytogenetic location: 4q35.1.
Variant type: Deletion.
Coding change: c.864del on transcript NM_014476.6 (MANE Select); coding-DNA position 864, one base deleted (A; older notation c.864delA).
Protein change: p.Gln289fs; shifts the reading frame from glutamine 289.
Molecular consequence: frameshift variant. On other transcripts: non-coding transcript variant (1).
Genome position (GRCh38, 1-based): chr4:185,504,516, T deleted on the plus strand (A on the coding strand, the reverse complement: PDLIM3 is on the minus strand). VCF-style (leftmost placement, unchanged base first): chr4-185504515-GT-G. GRCh37 (hg19) VCF-style: chr4-186425669-GT-G.
Other names: c.720del, p.Gln241fs (NM_001114107.5); c.600del, p.Gln201fs (NM_001257962.2); c.363del, p.Gln122fs (NM_001257963.2); short protein forms Q122fs, Q241fs, Q289fs, Q201fs.
Identifiers: ClinVar variation 4787776 (VCV004787776.1).
Genomic context (GRCh38, chr4:185,504,515, plus strand): 5'-GGGTTAAAAGTGAAACTTACACTATGCCACTCCCACATTTGTCACAGAGCGGCATCCTCT[GT>G]GCCCCGCCTGAACCGCCATGGACTTTCGTCACCGGAGCTCTCACACTCCGCGTTCCAGCC-3'

ClinVar aggregate classification (germline): Uncertain significance (1 of 4 stars; one submission).

Conditions:
Primary dilated cardiomyopathy (DCM). Also called: Dilated Cardiomyopathy. Identifiers: Orphanet 217604, MedGen C0007193, MeSH D002311, MONDO:0005021, HP:0001644. Inheritance: Various modes of inheritance.
Hypertrophic cardiomyopathy. Also called: HYPERTROPHIC MYOCARDIOPATHY. Identifiers: Orphanet 217569, MedGen C0007194, MeSH D002312, MONDO:0005045, HP:0001639.

Submission:

Labcorp Genetics (formerly Invitae), Labcorp
Classification: Uncertain significance for Hypertrophic cardiomyopathy; Primary dilated cardiomyopathy. Last evaluated: 2025-10-06. Review status: criteria provided, single submitter. Criteria: Invitae Variant Classification Sherloc (09022015). Collection method: clinical testing. Allele origin: germline.
Comment: This sequence change creates a premature translational stop signal (p.Gln289Argfs*13) in the PDLIM3 gene. While this is not anticipated to result in nonsense mediated decay, it is expected to disrupt the last 76 amino acid(s) of the PDLIM3 protein. This variant is not present in population databases (gnomAD no frequency). This variant has not been reported in the literature in individuals affected with PDLIM3-related conditions. Experimental studies and prediction algorithms are not available or were not evaluated, and the functional significance of this variant is currently unknown. In summary, the available evidence is currently insufficient to determine the role of this variant in disease. Therefore, it has been classified as a Variant of Uncertain Significance.